The following is an entry in ClinVar:

ClinVar aggregate classification (germline): Uncertain significance (1 of 4 stars; one submission).

Submission:

Ambry Genetics
Classification: Uncertain significance. Last evaluated: 2024-05-21. Review status: criteria provided, single submitter. Criteria: Ambry Variant Classification Scheme 2023. Collection method: clinical testing. Allele origin: germline.
Comment: The p.M886I variant (also known as c.2658G>A), located in coding exon 4 of the ALPK2 gene, results from a G to A substitution at nucleotide position 2658. The methionine at codon 886 is replaced by isoleucine, an amino acid with highly similar properties. This amino acid position is conserved. In addition, this alteration is predicted to be tolerated by in silico analysis. Based on the available evidence, the clinical significance of this variant remains unclear.

NM_052947.4(ALPK2):c.2658G>A (p.Met886Ile)

Gene: ALPK2 (alpha kinase 2; minus strand). Cytogenetic location: 18q21.31.
Variant type: single nucleotide variant.
Coding change: c.2658G>A on transcript NM_052947.4 (MANE Select); coding-DNA position 2658, G replaced by A.
Protein change: p.Met886Ile; replaces methionine 886 with isoleucine.
Molecular consequence: missense variant.
Genome position (GRCh38, 1-based): chr18:58,537,529, C>T on the plus strand (G>A on the coding strand, the complement: ALPK2 is on the minus strand). VCF-style: chr18-58537529-C-T. GRCh37 (hg19) VCF-style: chr18-56204761-C-T.
Other names: short protein forms M886I.
Identifiers: ClinVar variation 3290485 (VCV003290485.1).